The following is an entry in ClinVar:

ClinVar aggregate classification (germline): Uncertain significance (1 of 4 stars; one submission).

gnomAD v4.1: 18 of 1,613,968 alleles (0.0011%); highest among the groups gnomAD compares: Non-Finnish European, 0.0015%; no homozygotes.

Submission:

Labcorp Genetics (formerly Invitae), Labcorp
Classification: Uncertain significance. Last evaluated: 2022-07-11. Review status: criteria provided, single submitter. Criteria: Invitae Variant Classification Sherloc (09022015). Collection method: clinical testing. Allele origin: germline.
Comment: In summary, the available evidence is currently insufficient to determine the role of this variant in disease. Therefore, it has been classified as a Variant of Uncertain Significance. Advanced modeling of protein sequence and biophysical properties (such as structural, functional, and spatial information, amino acid conservation, physicochemical variation, residue mobility, and thermodynamic stability) performed at Invitae indicates that this missense variant is not expected to disrupt NSD1 protein function. This variant has not been reported in the literature in individuals affected with NSD1-related conditions. The frequency data for this variant in the population databases is considered unreliable, as metrics indicate poor data quality at this position in the gnomAD database. This sequence change replaces glutamic acid, which is acidic and polar, with glutamine, which is neutral and polar, at codon 1332 of the NSD1 protein (p.Glu1332Gln).

NM_022455.5(NSD1):c.3994G>C (p.Glu1332Gln)

Gene: NSD1 (nuclear receptor binding SET domain protein 1; plus strand). Cytogenetic location: 5q35.3.
Variant type: single nucleotide variant.
Coding change: c.3994G>C on transcript NM_022455.5 (MANE Select); coding-DNA position 3994, G replaced by C.
Protein change: p.Glu1332Gln; replaces glutamic acid 1332 with glutamine.
Molecular consequence: missense variant.
Genome position (GRCh38, 1-based): chr5:177,238,309, G>C. VCF-style: chr5-177238309-G-C. GRCh37 (hg19) VCF-style: chr5-176665310-G-C.
Other names: c.3121G>C, p.Glu1041Gln (NM_001365684.2, NM_001409306.1, NM_001409307.1 and 3 more transcripts); c.3994G>C, p.Glu1332Gln (NM_001409301.1, NM_001409302.1, NM_001409303.1); c.3574G>C, p.Glu1192Gln (NM_001409304.1); c.3241G>C, p.Glu1081Gln (NM_001409305.1); short protein forms E1081Q, E1041Q, E1192Q, E1063Q, E1332Q.
Identifiers: ClinVar variation 2043296 (VCV002043296.4), dbSNP rs758774947, ClinGen allele CA132854156.